The following is an entry in ClinVar:

NM_000152.5(GAA):c.525_526del (p.Asn177fs)

Gene: GAA (alpha glucosidase; plus strand). Cytogenetic location: 17q25.3.
Variant type: Deletion.
Coding change: c.525_526del on transcript NM_000152.5 (MANE Select); coding-DNA positions 525 to 526, 2 bases deleted (TG; older notation c.525_526delTG).
Protein change: p.Asn177fs; shifts the reading frame from asparagine 177.
Molecular consequence: frameshift variant.
Genome position (GRCh38, 1-based): chr17:80,105,111-80,105,112, TG deleted. VCF-style (leftmost placement, unchanged base first): chr17-80105110-CTG-C. GRCh37 (hg19) VCF-style: chr17-78078909-CTG-C.
Other names: c.525_526delTG (NM_000152.3, NM_000152.5); c.525_526del (LRG_673t1); c.525_526del, p.Asn177fs (NM_001079803.3, NM_001079804.3); short protein forms N177fs.
Identifiers: ClinVar variation 189057 (VCV000189057.14), dbSNP rs767882689, ClinGen allele CA274328.

ClinVar aggregate classification (germline): Pathogenic. Review status: reviewed by expert panel (3 of 4 stars). 7 submissions from 7 submitters: Pathogenic (1). 6 of the submissions do not count toward it. Last evaluated 2020-11-02.

Conditions:
Glycogen storage disease, type II (IOPD). Also called: Glycogen storage disease type 2; Acid maltase deficiency disease; Aglucosidase alfa; Deficiency of alpha-glucosidase; Deficiency of lysosomal alpha-glucosidase; CARDIOMEGALIA GLYCOGENICA DIFFUSA. Identifiers: Orphanet 365, MedGen C0017921, MONDO:0009290, OMIM 232300.

Allele frequency attached by ClinVar (database versions not stated): gnomAD exomes below 0.00001; ExAC 0.00001.

Submissions (7):

ClinGen Lysosomal Storage Disorder Variant Curation Expert Panel
Classification: Pathogenic for Glycogen storage disease, type II. Last evaluated: 2020-11-02. Review status: reviewed by expert panel. Criteria: ClinGen LSD ACMG Specifications v1. Collection method: curation. Allele origin: germline. Inheritance: Autosomal recessive inheritance.
Comment: This variant, c.525_526del (p.Asn177ProfsTer11), is a frameshift variant that is predicted to result in a premature termination codon, nonsense mediated decay, and lack of gene product, meeting PVS1. This is supported by the finding of this variant in an individual with no GAA cross-reactive immunological material in cultured skin fibroblasts (PMID 22252923, 23825616, 31342611). The highest population minor allele frequency in gnomAD v2.1.1 is 0.00003288 in the South Asian population, meeting PM2. One individual with Pompe disease and meeting the ClinGen LSD VCEP's specifications for PP4 has been reported in the literature (PMID 22252923, 23825616). This patient is homozygous for the variant, meeting PM3_Supporting. Two other individuals with the variant have been reported. One is homozygous (PMID 25455803; different than the individual reported in PMID 25455803 based on the age at diagnosis) another individual who is compound heterozygous for the variant and c.-32-13T>G (PMID 31392188). However, these patients were not included because the residual activity was not provided, and therefore PP4 cannot be assessed, and PM3 was not applied. There is a ClinVar entry for this variant (Variation ID: 189057, 1 star review status) with one submitter classifying the variant as likely pathogenic. In summary, this variant meets the criteria to be classified as pathogenic for Pompe disease. GAA-specific ACMG/AMP criteria applied, as specific by the ClinGen LSD VCEP: PVS1, PM2, PM3_Supporting, PP4.

Genomenon, Inc
Classification: Pathogenic for Glycogen storage disease, type II. Last evaluated: 2026-07-01. Review status: criteria provided, single submitter. Criteria: Genomenon Sequence Variant Interpretation Standards - Updated. Collection method: curation. Allele origin: germline. Affected: yes. Not counted in ClinVar's aggregate classification.
Comment: GAA p.Asn177ProfsTer11 (c.525_526del) is a frameshift variant that is predicted to introduce a premature termination codon and result in a truncated or absent protein product. This variant has been observed in at least one proband with a GAA-related disorder (PMID:36351280;32776513;31392188;28814660;27927596;25455803). It is absent or not present at a significant frequency in gnomAD. In conclusion, we classify GAA p.Asn177ProfsTer11 (c.525_526del) as a pathogenic variant.

Women's Health and Genetics/Laboratory Corporation of America, LabCorp
Classification: Pathogenic for Glycogen storage disease, type II. Last evaluated: 2026-06-01. Review status: criteria provided, single submitter. Criteria: LabCorp Variant Classification Summary - May 2015. Collection method: clinical testing. Allele origin: germline. Not counted in ClinVar's aggregate classification.
Comment: Variant summary: GAA c.525_526delTG (p.Asn177ProfsX11) results in a premature termination codon, predicted to cause a truncation of the encoded protein or absence of the protein due to nonsense mediated decay, which are commonly known mechanisms for disease. The variant allele was found at a frequency of 4.2e-06 in 239740 control chromosomes. c.525_526delTG has been observed in at least one homozygous individual affected with GAA-related conditions (e.g. Banugaria_2013). These data indicate that the variant may be associated with disease. To our knowledge, no experimental evidence demonstrating an impact on protein function has been reported. The following publications have been ascertained in the context of this evaluation (PMID: 22252923, 23825616, 31342611). ClinVar contains an entry for this variant (Variation ID: 189057). Based on the evidence outlined above, the variant was classified as pathogenic.

GeneDx
Classification: Pathogenic. Last evaluated: 2025-03-11. Review status: criteria provided, single submitter. Criteria: GeneDx Variant Classification Process June 2021. Collection method: clinical testing. Allele origin: germline. Affected: yes. Not counted in ClinVar's aggregate classification.
Comment: Frameshift variant predicted to result in protein truncation or nonsense mediated decay in a gene for which loss of function is a known mechanism of disease; Not observed at significant frequency in large population cohorts (gnomAD); This variant is associated with the following publications: (PMID: 31254424, 36775951, 37955580, 22252923, 31392188, 27927596, 31342611, 32849613, 23825616, 36351280, 25455803, Balendran-Braun2024[article])

Labcorp Genetics (formerly Invitae), Labcorp
Classification: Pathogenic for Glycogen storage disease, type II. Last evaluated: 2023-02-06. Review status: criteria provided, single submitter. Criteria: Invitae Variant Classification Sherloc (09022015). Collection method: clinical testing. Allele origin: germline. Not counted in ClinVar's aggregate classification.
Comment: For these reasons, this variant has been classified as Pathogenic. ClinVar contains an entry for this variant (Variation ID: 189057). This premature translational stop signal has been observed in individual(s) with Pompe disease (PMID: 22252923). This variant is present in population databases (rs767882689, gnomAD 0.003%). This sequence change creates a premature translational stop signal (p.Asn177Profs*11) in the GAA gene. It is expected to result in an absent or disrupted protein product. Loss-of-function variants in GAA are known to be pathogenic (PMID: 18425781, 22252923).

Broad Center for Mendelian Genomics, Broad Institute of MIT and Harvard
Classification: Likely pathogenic for Glycogen storage disease, type II. Last evaluated: 2020-01-23. Review status: criteria provided, single submitter. Criteria: ACMG Guidelines, 2015. Collection method: curation. Allele origin: germline. Inheritance: Autosomal recessive inheritance. Not counted in ClinVar's aggregate classification.
Comment: This variant has been identified in 0.0033% (1/30410) of South Asian chromosomes by the Genome Aggregation Database (gnomAD; dbSNP rs767882689). Although this variant has been seen in the general population, its frequency is low enough to be consistent with a recessive carrier frequency. This variant is predicted to cause a frameshift, which alters the protein's amino acid sequence beginning at position 177 and leads to a premature termination codon 11 amino acids downstream. This alteration is then predicted to lead to a truncated or absent protein. Loss of function of the GAA gene is an established disease mechanism in autosomal recessive Glycogen Storage Disease II. This variant is noted as homozygous in two individuals with Glycogen Storage Disease II (PMID: 23825616, 25455803). In summary, although additional studies are required to fully establish its clinical significance, this variant is likely pathogenic. ACMG/AMP Criteria applied: PVS1, PM2 (Richards 2015).

Counsyl
Classification: Likely pathogenic for Glycogen storage disease, type II. Last evaluated: 2014-11-11. Review status: no assertion criteria provided. Collection method: literature only. Allele origin: unknown. Inheritance: Autosomal recessive inheritance. Not counted in ClinVar's aggregate classification.

Literature cited by the submitters: PubMed 23825616 (cited by 3 submitters); PubMed 36351280 (cited by Genomenon, Inc); PubMed 32776513 (cited by Genomenon, Inc); PubMed 31392188 (cited by Genomenon, Inc); PubMed 28814660 (cited by Genomenon, Inc); PubMed 27927596 (cited by Genomenon, Inc); PubMed 25455803 (cited by Genomenon, Inc); PubMed 22252923 (cited by 3 submitters); PubMed 31342611 (cited by Women's Health and Genetics/Laboratory Corporation of America, LabCorp); PubMed 18425781 (cited by Labcorp Genetics (formerly Invitae), Labcorp).